The following is an entry in ClinVar:

NM_001146079.2(CLDN14):c.674T>C (p.Val225Ala)

Genes: CLDN14 (claudin 14; minus strand), CLDN14-AS1 (CLDN14 antisense RNA 1; plus strand). Cytogenetic location: 21q22.13.
Variant type: single nucleotide variant.
Coding change: c.674T>C on transcript NM_001146079.2 (MANE Select); coding-DNA position 674, T replaced by C.
Protein change: p.Val225Ala; replaces valine 225 with alanine.
Molecular consequence: missense variant.
Genome position (GRCh38, 1-based): chr21:36,461,022, A>G on the plus strand (T>C on the coding strand, the complement: CLDN14 is on the minus strand). VCF-style: chr21-36461022-A-G. GRCh37 (hg19) VCF-style: chr21-37833320-A-G.
Other names: c.674T>C, p.Val225Ala (NM_001146077.2, NM_001146078.3, NM_012130.4 and 1 more transcripts); short protein forms V225A.
Identifiers: ClinVar variation 3267587 (VCV003267587.2).

ClinVar aggregate classification (germline): Conflicting classifications of pathogenicity. Review status: criteria provided, conflicting classifications (1 of 4 stars). 2 submissions from 2 submitters: Uncertain significance (1); Likely benign (1). Last evaluated 2024-04-08.

Conditions:
Inborn genetic diseases. Identifiers: MedGen C0950123, MeSH D030342.

gnomAD v4.1: 1 of 1,613,386 alleles (0.000062%); highest among the groups gnomAD compares: African/African-American, 0.0013%; no homozygotes.

Submissions (2):

Ambry Genetics
Classification: Likely benign for Inborn genetic diseases. Last evaluated: 2024-04-08. Review status: criteria provided, single submitter. Criteria: Ambry Variant Classification Scheme 2023. Collection method: clinical testing. Allele origin: germline.

GeneDx
Classification: Uncertain significance. Last evaluated: 2023-11-02. Review status: criteria provided, single submitter. Criteria: GeneDx Variant Classification Process June 2021. Collection method: clinical testing. Allele origin: germline. Affected: yes.
Comment: Not observed at significant frequency in large population cohorts (gnomAD); In silico analysis supports that this missense variant does not alter protein structure/function; Has not been previously published as pathogenic or benign to our knowledge